The following is an entry in ClinVar:

ClinVar aggregate classification (germline): Benign (0 of 4 stars; one submission).

Conditions:
NCAPD2-related disorder. Also called: NCAPD2-related condition.

Allele frequency attached by ClinVar (database versions not stated): 1000 Genomes Project 0.01078; ESP Exome Variant Server 0.01161; 1000 Genomes Project 30x 0.01171.
gnomAD v4.1: 3,263 of 1,614,198 alleles (0.2%); highest among the groups gnomAD compares: African/African-American, 3.7%; 61 homozygotes.

Submission:

PreventionGenetics, part of Exact Sciences
Classification: Benign for NCAPD2-related condition. Last evaluated: 2019-06-06. Review status: no assertion criteria provided. Collection method: clinical testing. Allele origin: germline.
Comment: This variant is classified as benign based on ACMG/AMP sequence variant interpretation guidelines (Richards et al. 2015 PMID: 25741868, with internal and published modifications).

NM_014865.4(NCAPD2):c.2507C>T (p.Pro836Leu)

Gene: NCAPD2 (non-SMC condensin I complex subunit D2; plus strand). Cytogenetic location: 12p13.31.
Variant type: single nucleotide variant.
Coding change: c.2507C>T on transcript NM_014865.4 (MANE Select); coding-DNA position 2507, C replaced by T.
Protein change: p.Pro836Leu; replaces proline 836 with leucine.
Molecular consequence: missense variant.
Genome position (GRCh38, 1-based): chr12:6,526,312, C>T. VCF-style: chr12-6526312-C-T. GRCh37 (hg19) VCF-style: chr12-6635478-C-T.
Other names: short protein forms P836L.
Identifiers: ClinVar variation 3056807 (VCV003056807.2), dbSNP rs73259178, ClinGen allele CA6408771.
Genomic context (GRCh38, chr12:6,526,312, plus strand): 5'-CTGTACACACACCCACGTTGTCTTGCTCTCCACAGCCTTCTCTGGGCAAACGTCACCCCC[C>T]CTTCCGGCTGCCTCAGGAACACAGGTTGTTTGAGCGACTGCGGGAGACAGTCACAAAAGG-3'
Protein context (NP_055680.3, residues 826-846): RKPSLGKRHP[Pro836Leu]FRLPQEHRLF